The following is an entry in ClinVar:

NM_003743.5(NCOA1):c.3635A>G (p.Asn1212Ser)

Gene: NCOA1 (nuclear receptor coactivator 1; plus strand). Cytogenetic location: 2p23.3.
Variant type: single nucleotide variant.
Coding change: c.3635A>G on transcript NM_003743.5 (MANE Select); coding-DNA position 3635, A replaced by G.
Protein change: p.Asn1212Ser; replaces asparagine 1212 with serine.
Molecular consequence: missense variant.
Genome position (GRCh38, 1-based): chr2:24,742,115, A>G. VCF-style: chr2-24742115-A-G. GRCh37 (hg19) VCF-style: chr2-24964984-A-G.
Other names: c.3635A>G, p.Asn1212Ser (NM_001362950.1, NM_001362952.1, NM_001362954.1 and 3 more transcripts); short protein forms N1212S.
Identifiers: ClinVar variation 4989761 (VCV004989761.1).

ClinVar aggregate classification (germline): Uncertain significance (1 of 4 stars; one submission).

Conditions:
NCOA1-related disorder. Also called: NCOA1-related condition.

gnomAD v4.1: 7 of 1,614,052 alleles (0.00043%); highest among the groups gnomAD compares: Admixed American, 0.0033%; no homozygotes.

Submission:

PreventionGenetics, part of Exact Sciences
Classification: Uncertain significance for NCOA1-related condition. Last evaluated: 2026-02-26. Review status: criteria provided, single submitter. Criteria: ACMG Guidelines, 2015. Collection method: clinical testing. Allele origin: germline.
Comment: The NCOA1 c.3635A>G variant is predicted to result in the amino acid substitution p.Asn1212Ser. To our knowledge, this variant has not been reported in the literature. This variant is reported in 0.0031% of alleles in individuals of European (Non-Finnish) descent in gnomAD. At this time, the clinical significance of this variant is uncertain due to the absence of conclusive functional and genetic evidence.